The following is an entry in ClinVar:

ClinVar aggregate classification (germline): Likely benign. Review status: criteria provided, multiple submitters, no conflicts (2 of 4 stars). 2 submissions from 2 submitters: Likely benign (2). Last evaluated 2026-08-01.

Allele frequency attached by ClinVar (database versions not stated): gnomAD 0.00001; TOPMed 0.00001; ExAC 0.00002; gnomAD exomes 0.00002.
gnomAD v4.1: 18 of 1,614,076 alleles (0.0011%); highest among the groups gnomAD compares: South Asian, 0.0077%; no homozygotes.

Submissions (2):

CeGaT Center for Human Genetics Tuebingen
Classification: Likely benign. Last evaluated: 2026-08-01. Review status: criteria provided, single submitter. Criteria: CeGaT Center For Human Genetics Tuebingen Variant Classification Criteria Version 2. Collection method: clinical testing. Allele origin: germline. Affected: yes. Observed: 1 variant allele.
Comment: CIC: BP4, BP7

Labcorp Genetics (formerly Invitae), Labcorp
Classification: Likely benign. Last evaluated: 2018-06-06. Review status: criteria provided, single submitter. Criteria: Invitae Variant Classification Sherloc (09022015). Collection method: clinical testing. Allele origin: germline.

NM_001386298.1(CIC):c.4203G>A (p.Arg1401=)

Gene: CIC (capicua transcriptional repressor; plus strand). Cytogenetic location: 19q13.2.
Variant type: single nucleotide variant.
Coding change: c.4203G>A on transcript NM_001386298.1 (MANE Select); coding-DNA position 4203, G replaced by A.
Protein change: p.Arg1401=; no amino-acid change (arginine 1401 retained).
Molecular consequence: synonymous variant.
Genome position (GRCh38, 1-based): chr19:42,290,244, G>A. VCF-style: chr19-42290244-G-A. GRCh37 (hg19) VCF-style: chr19-42794396-G-A.
Other names: c.4203G>A, p.Arg1401= (NM_001304815.2, NM_001379480.1, NM_001379482.1); c.1476G>A, p.Arg492= (NM_001379484.1, NM_001379485.1, NM_015125.5).
Identifiers: ClinVar variation 715836 (VCV000715836.4), dbSNP rs754531132, ClinGen allele CA9472016.